The following is an entry in ClinVar:

ClinVar aggregate classification (germline): Pathogenic (1 of 4 stars; one submission).

gnomAD v4.1: 1 of 1,614,156 alleles (0.000062%); highest among the groups gnomAD compares: Non-Finnish European, 0.000085%; no homozygotes.

Submission:

Labcorp Genetics (formerly Invitae), Labcorp
Classification: Pathogenic. Last evaluated: 2023-05-29. Review status: criteria provided, single submitter. Criteria: Invitae Variant Classification Sherloc (09022015). Collection method: clinical testing. Allele origin: germline.
Comment: This variant has not been reported in the literature in individuals affected with TET2-related conditions. This sequence change creates a premature translational stop signal (p.Ser714*) in the TET2 gene. It is expected to result in an absent or disrupted protein product. Loss-of-function variants in TET2 are known to be pathogenic (PMID: 36066697). This variant is not present in population databases (gnomAD no frequency). For these reasons, this variant has been classified as Pathogenic.

Literature cited by the submitters: PubMed 36066697.

NM_001127208.3(TET2):c.2141C>G (p.Ser714Ter)

Genes: TET2 (tet methylcytosine dioxygenase 2; plus strand), TET2-AS1 (TET2 antisense RNA 1; minus strand). Cytogenetic location: 4q24.
Variant type: single nucleotide variant.
Coding change: c.2141C>G on transcript NM_001127208.3 (MANE Select); coding-DNA position 2141, C replaced by G.
Protein change: p.Ser714Ter; replaces serine 714 with a stop codon.
Molecular consequence: nonsense.
Genome position (GRCh38, 1-based): chr4:105,236,083, C>G. VCF-style: chr4-105236083-C-G. GRCh37 (hg19) VCF-style: chr4-106157240-C-G.
Other names: c.2141C>G, p.Ser714Ter (NM_017628.4); short protein forms S714*.
Identifiers: ClinVar variation 2746680 (VCV002746680.3), dbSNP rs1560544979, ClinGen allele CA357797735.
Genomic context (GRCh38, chr4:105,236,083, plus strand): 5'-TTATGTCCCCAGTGTTGAAACAGCACTTGAATCAACAGGCTTCAGAGACTGAGCCATTTT[C>G]AAACTCACACCTTTTGCAACATAAGCCTCATAAACAGGCAGCACAAACACAACCATCCCA-3'